The following is an entry in ClinVar:

ClinVar aggregate classification (germline): Uncertain significance (1 of 4 stars; one submission).

Conditions:
Inborn genetic diseases. Identifiers: MedGen C0950123, MeSH D030342.

gnomAD v4.1: 1 of 1,614,200 alleles (0.000062%); no homozygotes.

Submission:

Ambry Genetics
Classification: Uncertain significance for Inborn genetic diseases. Last evaluated: 2023-05-06. Review status: criteria provided, single submitter. Criteria: Ambry Variant Classification Scheme 2023. Collection method: clinical testing. Allele origin: germline.
Comment: The p.H580Q variant (also known as c.1740C>A), located in coding exon 12 of the EPAS1 gene, results from a C to A substitution at nucleotide position 1740. The histidine at codon 580 is replaced by glutamine, an amino acid with highly similar properties. This amino acid position is conserved. In addition, this alteration is predicted to be tolerated by in silico analysis. Since supporting evidence is limited at this time, the clinical significance of this alteration remains unclear.

NM_001430.5(EPAS1):c.1740C>A (p.His580Gln)

Gene: EPAS1 (endothelial PAS domain protein 1; plus strand). Cytogenetic location: 2p21.
Variant type: single nucleotide variant.
Coding change: c.1740C>A on transcript NM_001430.5 (MANE Select); coding-DNA position 1740, C replaced by A.
Protein change: p.His580Gln; replaces histidine 580 with glutamine.
Molecular consequence: missense variant.
Genome position (GRCh38, 1-based): chr2:46,380,412, C>A. VCF-style: chr2-46380412-C-A. GRCh37 (hg19) VCF-style: chr2-46607551-C-A.
Other names: short protein forms H580Q.
Identifiers: ClinVar variation 2565065 (VCV002565065.2), dbSNP rs1558611978, ClinGen allele CA346704779.
Genomic context (GRCh38, chr2:46,380,412, plus strand): 5'-CCAGCACTGCTTCAGTGCCATGACAAACATCTTCCAGCCACTGGCCCCTGTAGCCCCGCA[C>A]AGTCCCTTCCTCCTGGACAAGTTTCAGCAGCAGCTGGAGAGCAAGAAGACAGAGCCCGAG-3'
Protein context (NP_001421.2, residues 570-590): IFQPLAPVAP[His580Gln]SPFLLDKFQQ